The following is an entry in ClinVar:

NM_001079802.2(FKTN):c.1032_1033del (p.His344fs)

Gene: FKTN (fukutin; plus strand). Cytogenetic location: 9q31.2.
Variant type: Microsatellite.
Coding change: c.1032_1033del on transcript NM_001079802.2 (MANE Select); coding-DNA positions 1032 to 1033, 2 bases deleted (CA; older notation c.1032_1033delCA).
Protein change: p.His344fs; shifts the reading frame from histidine 344.
Molecular consequence: frameshift variant. On other transcripts: non-coding transcript variant (1).
Genome position (GRCh38, 1-based): chr9:105,618,080-105,618,081, CA deleted; deleting any 2 consecutive bases within chr9:105,618,077-105,618,081 gives the same sequence; the c. name uses the placement nearest the transcript's 3' end. VCF-style (leftmost placement, unchanged base first): chr9-105618076-AAC-A. GRCh37 (hg19) VCF-style: chr9-108380357-AAC-A.
Other names: c.1030_1031CA[1], p.His344Glnfs (NM_001079802.1); c.1032_1033del, p.His344fs (NM_001198963.2, NM_001351496.2, NM_001351498.2 and 1 more transcripts); c.963_964del, p.His321fs (NM_001351497.2); c.636_637del, p.His212fs (NM_001351499.2, NM_001351500.2, NM_001351501.2 and 1 more transcripts); c.1032_1033del (NM_001079802.1); short protein forms H212fs, H321fs, H344fs.
Identifiers: ClinVar variation 4814581 (VCV004814581.1).

ClinVar aggregate classification (germline): Likely pathogenic (1 of 4 stars; one submission).

Conditions:
Walker-Warburg congenital muscular dystrophy. Also called: Muscular dystrophy-dystroglycanopathy, type A; Walker-Warburg syndrome. Identifiers: Orphanet 899, MedGen C0265221, MONDO:0000171.

Submission:

Natera, Inc.
Classification: Likely pathogenic for Walker-Warburg congenital muscular dystrophy. Last evaluated: 2024-06-13. Review status: criteria provided, single submitter. Criteria: Natera Variant Classification Schema (03/2026). Collection method: clinical testing. Allele origin: germline.
Comment: The c.1032_1033del variant in FKTN is a frameshift variant predicted to shift the reading frame beginning at codon 344 and leads to a stop codon 18 codons downstream. This variant is expected to result in nonsense mediated decay, truncation, or a dysfunctional protein product. This variant is rare in the general population with a frequency below the threshold expected for the associated phenotype(s). Given the available evidence, this variant is classified as Likely Pathogenic.